The following is an entry in ClinVar:

NM_005330.4(HBE1):c.274C>T (p.Leu92=)

Gene: HBE1 (hemoglobin subunit epsilon 1; minus strand). Cytogenetic location: 11p15.4.
Variant type: single nucleotide variant.
Coding change: c.274C>T on transcript NM_005330.4 (MANE Select); coding-DNA position 274, C replaced by T.
Protein change: p.Leu92=; no amino-acid change (leucine 92 retained).
Molecular consequence: synonymous variant.
Genome position (GRCh38, 1-based): chr11:5,269,495, G>A on the plus strand (C>T on the coding strand, the complement: HBE1 is on the minus strand). VCF-style: chr11-5269495-G-A. GRCh37 (hg19) VCF-style: chr11-5290725-G-A.
Identifiers: ClinVar variation 4981754 (VCV004981754.1).

ClinVar aggregate classification (germline): Likely benign (1 of 4 stars; one submission).

Conditions:
HBE1-related disorder. Also called: HBE1-related condition.

Submission:

PreventionGenetics, part of Exact Sciences
Classification: Likely benign for HBE1-related condition. Last evaluated: 2025-07-01. Review status: criteria provided, single submitter. Criteria: ACMG Guidelines, 2015. Collection method: clinical testing. Allele origin: germline.
Comment: This variant is classified as likely benign based on ACMG/AMP sequence variant interpretation guidelines (Richards et al. 2015 PMID: 25741868, with internal and published modifications).